The following is an entry in ClinVar:

NM_000038.6(APC):c.7543A>C (p.Ile2515Leu)

Gene: APC (APC regulator of Wnt signaling pathway; plus strand). Cytogenetic location: 5q22.2.
Variant type: single nucleotide variant.
Coding change: c.7543A>C on transcript NM_000038.6 (MANE Select); coding-DNA position 7543, A replaced by C.
Protein change: p.Ile2515Leu; replaces isoleucine 2515 with leucine.
Molecular consequence: missense variant. On other transcripts: non-coding transcript variant (2).
Genome position (GRCh38, 1-based): chr5:112,843,137, A>C. VCF-style: chr5-112843137-A-C. GRCh37 (hg19) VCF-style: chr5-112178834-A-C.
Other names: c.7543A>C, p.Ile2515Leu (NM_001127510.3, NM_001354895.2, NM_001407450.1); c.7489A>C, p.Ile2497Leu (NM_001127511.3); c.7597A>C, p.Ile2533Leu (NM_001354896.2, NM_001407447.1, NM_001407448.1 and 1 more transcripts); c.7573A>C, p.Ile2525Leu (NM_001354897.2); c.7468A>C, p.Ile2490Leu (NM_001354898.2); c.7459A>C, p.Ile2487Leu (NM_001354899.2); c.7420A>C, p.Ile2474Leu (NM_001354900.2); c.7366A>C, p.Ile2456Leu (NM_001354901.2, NM_001407453.1); and 11 more; short protein forms I2131L, I2232L, I2386L, I2508L, I2525L, I2414L, I2432L, I2505L.
Identifiers: ClinVar variation 2567031 (VCV002567031.2), dbSNP rs554356011, ClinGen allele CA16037724.

ClinVar aggregate classification (germline): Uncertain significance (1 of 4 stars; one submission).

Conditions:
Hereditary cancer-predisposing syndrome. Also called: Hereditary neoplastic syndrome; Hereditary Cancer Syndrome; Neoplastic Syndromes, Hereditary; Tumor predisposition. Identifiers: Orphanet 140162, MedGen C0027672, MeSH D009386, MONDO:0015356.

Submission:

Ambry Genetics
Classification: Uncertain significance for Hereditary cancer-predisposing syndrome. Last evaluated: 2023-05-09. Review status: criteria provided, single submitter. Criteria: Ambry Variant Classification Scheme 2023. Collection method: clinical testing. Allele origin: germline.
Comment: The p.I2515L variant (also known as c.7543A>C), located in coding exon 15 of the APC gene, results from an A to C substitution at nucleotide position 7543. The isoleucine at codon 2515 is replaced by leucine, an amino acid with highly similar properties. This amino acid position is conserved. In addition, in silico predictors for this gene do not accurately predict pathogenicity. Since supporting evidence is limited at this time, the clinical significance of this alteration remains unclear.